The following is an entry in ClinVar:

NM_144997.7(FLCN):c.250-2A>G

Gene: FLCN (folliculin; minus strand). Cytogenetic location: 17p11.2.
Variant type: single nucleotide variant.
Coding change: c.250-2A>G on transcript NM_144997.7 (MANE Select); the canonical splice acceptor site of the intron before coding-DNA position 250, A replaced by G.
Molecular consequence: splice acceptor variant.
Genome position (GRCh38, 1-based): chr17:17,226,324, T>C on the plus strand (A>G on the coding strand, the complement: FLCN is on the minus strand). VCF-style: chr17-17226324-T-C. GRCh37 (hg19) VCF-style: chr17-17129638-T-C.
Other names: IVS4AS, A-G, -2; c.250-2A>G (NM_001353231.2, NM_001353230.2, NM_001353229.2 and 2 more transcripts).
Identifiers: ClinVar variation 96481 (VCV000096481.38), dbSNP rs398124533, ClinGen allele CA224166.

ClinVar aggregate classification (germline): Pathogenic/Likely pathogenic. Review status: criteria provided, multiple submitters, no conflicts (2 of 4 stars). 12 submissions from 12 submitters: Pathogenic (10); Likely pathogenic (1). 1 of the submissions does not count toward it. Last evaluated 2026-01-21.

Conditions:
Nonpapillary renal cell carcinoma. Identifiers: Orphanet 422526, MedGen CN074294, MONDO:0007763, OMIM 144700.
Familial spontaneous pneumothorax (PSP). Identifiers: Orphanet 2903, MedGen C1868193, MONDO:0008259, OMIM 173600.
Birt-Hogg-Dube syndrome 1 (BHD1). Also called: FIBROFOLLICULOMAS WITH TRICHODISCOMAS AND ACROCHORDONS. Identifiers: Orphanet 122, MedGen CN375946, MONDO:0800445, OMIM 135150.
Colorectal cancer. Also called: Colorectal cancer, somatic; Malignant Colorectal Neoplasm. Identifiers: MedGen C0346629, MONDO:0005575, OMIM 114500.
FLCN-related disorder. Also called: FLCN-related condition.
Hereditary cancer-predisposing syndrome. Also called: Hereditary Cancer Syndrome; Neoplastic Syndromes, Hereditary; Hereditary neoplastic syndrome; Tumor predisposition. Identifiers: Orphanet 140162, MedGen C0027672, MeSH D009386, MONDO:0015356.
Birt-Hogg-Dube syndrome. Also called: Birt Hogg Dubé syndrome. Identifiers: Orphanet 122, MedGen C0346010, MONDO:0800444.

Allele frequency attached by ClinVar (database versions not stated): gnomAD exomes below 0.00001; TOPMed below 0.00001.

Submissions (12):

Labcorp Genetics (formerly Invitae), Labcorp
Classification: Pathogenic for Birt-Hogg-Dube syndrome. Last evaluated: 2026-01-21. Review status: criteria provided, single submitter. Criteria: Invitae Variant Classification Sherloc (09022015). Collection method: clinical testing. Allele origin: germline.
Comment: This sequence change affects an acceptor splice site in intron 4 of the FLCN gene. RNA analysis indicates that disruption of this splice site induces altered splicing and may result in an absent or altered protein product. This variant is present in population databases (rs398124533, gnomAD 0.0009%). Disruption of this splice site has been observed in individuals with Birt-Hogg-Dubé syndrome (PMID: 18234728). This variant is also known as IVS4-2A>G. ClinVar contains an entry for this variant (Variation ID: 96481). Studies have shown that disruption of this splice site results in activation of a cryptic splice site, and produces a non-functional protein and/or introduces a premature termination codon (internal data). For these reasons, this variant has been classified as Pathogenic.

Ambry Genetics
Classification: Pathogenic for Hereditary cancer-predisposing syndrome. Last evaluated: 2025-06-25. Review status: criteria provided, single submitter. Criteria: Ambry Variant Classification Scheme 2023. Collection method: clinical testing. Allele origin: germline.
Comment: The c.250-2A>G intronic pathogenic mutation results from an A to G substitution two nucleotides upstream from coding exon 2 in the FLCN gene. This alteration was previously identified in 13 individuals from four unrelated families affected with perifollicular fibromas, trichodiscomas, renal tumors, lung cysts and spontaneous pneumothorax (Toro J et al. J Med Genet. 2008 Jun;45(6):321-31). This alteration has been observed in multiple individuals with a personal and/or family history that is consistent with FLCN-related disease (Ambry internal data). RNA studies have demonstrated that this alteration results in abnormal splicing in the set of samples tested (Ambry internal data). In addition to the clinical data presented in the literature, alterations that disrupt the canonical splice site are expected to cause aberrant splicing, resulting in an abnormal protein or a transcript that is subject to nonsense-mediated mRNA decay. As such, this alteration is classified as a disease-causing mutation.

Fulgent Genetics
Classification: Pathogenic for Colorectal cancer; Birt-Hogg-Dube syndrome 1; Nonpapillary renal cell carcinoma; Familial spontaneous pneumothorax. Last evaluated: 2024-06-01. Review status: criteria provided, single submitter. Criteria: ACMG Guidelines, 2015. Collection method: clinical testing. Allele origin: germline.

Quest Diagnostics Nichols Institute San Juan Capistrano
Classification: Pathogenic. Last evaluated: 2023-07-08. Review status: criteria provided, single submitter. Criteria: Quest Diagnostics criteria. Collection method: clinical testing. Allele origin: unknown.
Comment: The FLCN c.250-2A>G variant disrupts a canonical splice-acceptor site and interferes with normal FLCN mRNA splicing. This variant has been reported in the published literature in several affected individuals and families with Birt-Hogg-Dubé syndrome (PMIDs: 18234728 (2008), 31958439 (2020), and 35639097 (2022)). It has also been reported in early onset renal cell carcinoma (PMID: 34654685 (2021)) and rhabdomyoma (PMID: 25610687 (2014)). Based on the available information, this variant is classified as pathogenic.

PreventionGenetics, part of Exact Sciences
Classification: Pathogenic for FLCN-related condition. Last evaluated: 2023-05-04. Review status: criteria provided, single submitter. Criteria: ACMG Guidelines, 2015. Collection method: clinical testing. Allele origin: germline.
Comment: The FLCN c.250-2A>G variant is predicted to disrupt the AG splice acceptor site and interfere with normal splicing. This variant is alternatively referred to as IVS4-2A>G in the literature. This variant was reported in individuals with Birt-Hogg-Dubé syndrome (Table 1, Toro et al. 2008. PubMed ID: 18234728; Figure 2, Sattler et al. 2020. PubMed ID: 31958439; Truong et al. 2021. PubMed ID: 34654685). This variant is reported in 0.00088% of alleles in individuals of European (Non-Finnish) descent in gnomAD. It is interpreted as likely pathogenic and pathogenic in ClinVar. Variants that disrupt the consensus splice acceptor site in FLCN are expected to be pathogenic. This variant is interpreted as pathogenic.

GeneDx
Classification: Pathogenic. Last evaluated: 2023-01-31. Review status: criteria provided, single submitter. Criteria: GeneDx Variant Classification Process June 2021. Collection method: clinical testing. Allele origin: germline. Affected: yes.
Comment: Canonical splice site variant expected to result in aberrant splicing, although in the absence of functional evidence the actual effect of this sequence change is unknown; Deletions involving coding exons of this gene are a known mechanism of disease (HGMD); Not observed at significant frequency in large population cohorts (gnomAD); This variant is associated with the following publications: (PMID: 19802896, 29357828, 18234728, 25610687, 21937013, 25525159, 31958439, 34654685)

Myriad Genetics, Inc.
Classification: Likely pathogenic for Birt-Hogg-Dube syndrome 1. Last evaluated: 2023-01-11. Review status: criteria provided, single submitter. Criteria: Myriad Autosomal Dominant, Autosomal Recessive and X-Linked Classification Criteria (2023). Collection method: clinical testing. Allele origin: unknown.
Comment: This variant is considered likely pathogenic. This variant occurs within a consensus splice junction and is predicted to result in abnormal mRNA splicing of either an out-of-frame exon or an in-frame exon necessary for protein stability and/or normal function.

Women's Health and Genetics/Laboratory Corporation of America, LabCorp
Classification: Pathogenic for Birt-Hogg-Dube syndrome. Last evaluated: 2022-07-14. Review status: criteria provided, single submitter. Criteria: LabCorp Variant Classification Summary - May 2015. Collection method: clinical testing. Allele origin: germline.
Comment: Variant summary: FLCN c.250-2A>G, also referred to as IVS4-2A>G in the literature, is located in a canonical splice-site and is predicted to affect mRNA splicing resulting in a significantly altered protein due to either exon skipping, shortening, or inclusion of intronic material. Several computational tools predict a significant impact on normal splicing: Four predict the variant abolishes a 3' acceptor site. However, these predictions have yet to be confirmed by functional studies. The variant allele was found at a frequency of 4e-06 in 251292 control chromosomes (gnomAD). c.250-2A>G has been reported in the literature in many individuals from multiple unrelated families affected with Birt-Hogg-Dube Syndrome (e.g. Toro_2008, Mikesell_2014, Sattler_2020). These data indicate that the variant is very likely to be associated with disease. Four clinical diagnostic laboratories have submitted clinical-significance assessments for this variant to ClinVar after 2014 and all classified the variant as pathogenic. Based on the evidence outlined above, the variant was classified as pathogenic.

Baylor Genetics
Classification: Pathogenic for Birt-Hogg-Dube syndrome 1. Last evaluated: 2022-02-22. Review status: criteria provided, single submitter. Criteria: ACMG Guidelines, 2015. Collection method: clinical testing. Allele origin: unknown.

Genomic Diagnostic Laboratory, Division of Genomic Diagnostics, Children's Hospital of Philadelphia
Classification: Pathogenic for Birt-Hogg-Dube Syndrome. Last evaluated: 2016-07-18. Review status: criteria provided, single submitter. Criteria: DGD Variant Analysis Guidelines. Collection method: clinical testing. Allele origin: germline. Affected: yes. Observed: 9 variant alleles.
Comment: Clinical Testing

Eurofins Ntd Llc (ga)
Classification: Pathogenic. Last evaluated: 2012-08-02. Review status: criteria provided, single submitter. Criteria: EGL Classification Definitions 2015. Collection method: clinical testing. Allele origin: germline. Observed: 3 variant alleles, 3 heterozygotes.

OMIM
Classification: Pathogenic for BIRT-HOGG-DUBE SYNDROME 1. Last evaluated: 2009-09-01. Review status: no assertion criteria provided. Collection method: literature only. Allele origin: germline. Not counted in ClinVar's aggregate classification.

Literature cited by the submitters: PubMed 18234728 (cited by 4 submitters); PubMed 31958439 (cited by Quest Diagnostics Nichols Institute San Juan Capistrano and Women's Health and Genetics/Laboratory Corporation of America, LabCorp); PubMed 25610687 (cited by Quest Diagnostics Nichols Institute San Juan Capistrano and Women's Health and Genetics/Laboratory Corporation of America, LabCorp); PubMed 19562744 (cited by Quest Diagnostics Nichols Institute San Juan Capistrano and OMIM); PubMed 35639097 (cited by Quest Diagnostics Nichols Institute San Juan Capistrano); PubMed 34654685 (cited by Quest Diagnostics Nichols Institute San Juan Capistrano).